The following is an entry in ClinVar:

ClinVar aggregate classification (germline): Uncertain significance (1 of 4 stars; one submission).

Submission:

CeGaT Center for Human Genetics Tuebingen
Classification: Uncertain significance. Last evaluated: 2022-06-01. Review status: criteria provided, single submitter. Criteria: CeGaT Center For Human Genetics Tuebingen Variant Classification Criteria Version 2. Collection method: clinical testing. Allele origin: germline. Affected: yes. Observed: 1 variant allele.
Comment: SIK1: PM2

NM_173354.5(SIK1):c.428A>G (p.His143Arg)

Gene: SIK1 (salt inducible kinase 1; minus strand). Cytogenetic location: 21q22.3.
Variant type: single nucleotide variant.
Coding change: c.428A>G on transcript NM_173354.5 (MANE Select); coding-DNA position 428, A replaced by G.
Protein change: p.His143Arg; replaces histidine 143 with arginine.
Molecular consequence: missense variant.
Genome position (GRCh38, 1-based): chr21:43,421,709, T>C on the plus strand (A>G on the coding strand, the complement: SIK1 is on the minus strand). VCF-style: chr21-43421709-T-C. GRCh37 (hg19) VCF-style: chr21-44841589-T-C.
Other names: short protein forms H143R.
Identifiers: ClinVar variation 2652722 (VCV002652722.24), dbSNP rs2516967745, ClinGen allele CA410610228.